The following is an entry in ClinVar:

NM_000384.3(APOB):c.4741T>C (p.Phe1581Leu)

Gene: APOB (apolipoprotein B; minus strand). Cytogenetic location: 2p24.1.
Variant type: single nucleotide variant.
Coding change: c.4741T>C on transcript NM_000384.3 (MANE Select); coding-DNA position 4741, T replaced by C.
Protein change: p.Phe1581Leu; replaces phenylalanine 1581 with leucine.
Molecular consequence: missense variant.
Genome position (GRCh38, 1-based): chr2:21,012,127, A>G on the plus strand (T>C on the coding strand, the complement: APOB is on the minus strand). VCF-style: chr2-21012127-A-G. GRCh37 (hg19) VCF-style: chr2-21234999-A-G.
Other names: short protein forms F1581L.
Identifiers: ClinVar variation 840196 (VCV000840196.13), dbSNP rs1663341832, ClinGen allele CA346006229.

ClinVar aggregate classification (germline): Uncertain significance. Review status: criteria provided, multiple submitters, no conflicts (2 of 4 stars). 2 submissions from 2 submitters: Uncertain significance (2). Last evaluated 2023-11-21.

Conditions:
Hypercholesterolemia, autosomal dominant, type B (FHCL2). Also called: Hyperlipoproteinemia Type IIb; Familial hypercholesterolemia 2; APOB-Related Familial Hypercholesterolemia, Autosomal Dominant; Familial Hypercholesterolemia Type B; APOLIPOPROTEIN B-100, FAMILIAL DEFECTIVE; APOLIPOPROTEIN B-100, FAMILIAL LIGAND-DEFECTIVE. Identifiers: MedGen C1704417, MONDO:0007751, OMIM 144010.
Familial hypobetalipoproteinemia 1. Also called: Hypobetalipoproteinemia, normotriglyceridemic; Acanthocytosis with hypobetalipoproteinemia; APOB-Related Familial Hypobetalipoproteinemia. Identifiers: MedGen C4551990, MONDO:0014252, OMIM 615558.
Cardiovascular phenotype. Identifiers: MedGen CN230736.

Allele frequency attached by ClinVar (database versions not stated): gnomAD 0.00001.

Submissions (2):

Ambry Genetics
Classification: Uncertain significance for Cardiovascular phenotype. Last evaluated: 2023-11-21. Review status: criteria provided, single submitter. Criteria: Ambry Variant Classification Scheme 2023. Collection method: clinical testing. Allele origin: germline.
Comment: The p.F1581L variant (also known as c.4741T>C), located in coding exon 26 of the APOB gene, results from a T to C substitution at nucleotide position 4741. The phenylalanine at codon 1581 is replaced by leucine, an amino acid with highly similar properties. This amino acid position is conserved. In addition, this alteration is predicted to be tolerated by in silico analysis. Since supporting evidence is limited at this time, the clinical significance of this alteration remains unclear.

Labcorp Genetics (formerly Invitae), Labcorp
Classification: Uncertain significance for Familial hypobetalipoproteinemia 1; Hypercholesterolemia, autosomal dominant, type B. Last evaluated: 2019-06-02. Review status: criteria provided, single submitter. Criteria: Invitae Variant Classification Sherloc (09022015). Collection method: clinical testing. Allele origin: germline.
Comment: This variant is not present in population databases (ExAC no frequency). This sequence change replaces phenylalanine with leucine at codon 1581 of the APOB protein (p.Phe1581Leu). The phenylalanine residue is moderately conserved and there is a small physicochemical difference between phenylalanine and leucine. This variant has not been reported in the literature in individuals with APOB-related conditions. In summary, the available evidence is currently insufficient to determine the role of this variant in disease. Therefore, it has been classified as a Variant of Uncertain Significance. Algorithms developed to predict the effect of missense changes on protein structure and function output the following: SIFT: "Tolerated"; PolyPhen-2: "Benign"; Align-GVGD: "Class C0". The leucine amino acid residue is found in multiple mammalian species, suggesting that this missense change does not adversely affect protein function. These predictions have not been confirmed by published functional studies and their clinical significance is uncertain.